The following is an entry in ClinVar:

ClinVar aggregate classification (germline): Uncertain significance (1 of 4 stars; one submission).

gnomAD v4.1: 2 of 1,613,958 alleles (0.00012%); highest among the groups gnomAD compares: Non-Finnish European, 0.00017%; no homozygotes.

Submission:

Labcorp Genetics (formerly Invitae), Labcorp
Classification: Uncertain significance. Last evaluated: 2021-07-09. Review status: criteria provided, single submitter. Criteria: Invitae Variant Classification Sherloc (09022015). Collection method: clinical testing. Allele origin: germline.
Comment: This sequence change replaces arginine with leucine at codon 196 of the NSMCE2 protein (p.Arg196Leu). The arginine residue is moderately conserved and there is a moderate physicochemical difference between arginine and leucine. In summary, the available evidence is currently insufficient to determine the role of this variant in disease. Therefore, it has been classified as a Variant of Uncertain Significance. Algorithms developed to predict the effect of missense changes on protein structure and function are either unavailable or do not agree on the potential impact of this missense change (SIFT: "Tolerated"; PolyPhen-2: "Possibly Damaging"; Align-GVGD: "Class C0"). This variant has not been reported in the literature in individuals affected with NSMCE2-related conditions. This variant is not present in population databases (ExAC no frequency).

NM_173685.4(NSMCE2):c.587G>T (p.Arg196Leu)

Gene: NSMCE2 (NSE2 SUMO ligase component of SMC5/6 complex; plus strand). Cytogenetic location: 8q24.13.
Variant type: single nucleotide variant.
Coding change: c.587G>T on transcript NM_173685.4 (MANE Select); coding-DNA position 587, G replaced by T.
Protein change: p.Arg196Leu; replaces arginine 196 with leucine.
Molecular consequence: missense variant. On other transcripts: non-coding transcript variant (1).
Genome position (GRCh38, 1-based): chr8:125,357,779, G>T. VCF-style: chr8-125357779-G-T. GRCh37 (hg19) VCF-style: chr8-126370021-G-T.
Other names: c.587G>T, p.Arg196Leu (NM_001349485.2, NM_001349486.2); short protein forms R196L.
Identifiers: ClinVar variation 1504314 (VCV001504314.8), dbSNP rs776469721, ClinGen allele CA372271055.